The following is an entry in ClinVar:

NM_020365.5(EIF2B3):c.1345C>T (p.Leu449Phe)

Gene: EIF2B3 (eukaryotic translation initiation factor 2B subunit gamma; minus strand). Cytogenetic location: 1p34.1.
Variant type: single nucleotide variant.
Coding change: c.1345C>T on transcript NM_020365.5 (MANE Select); coding-DNA position 1345, C replaced by T.
Protein change: p.Leu449Phe; replaces leucine 449 with phenylalanine.
Molecular consequence: missense variant. On other transcripts: 3 prime UTR variant (1).
Genome position (GRCh38, 1-based): chr1:44,850,965, G>A on the plus strand (C>T on the coding strand, the complement: EIF2B3 is on the minus strand). VCF-style: chr1-44850965-G-A. GRCh37 (hg19) VCF-style: chr1-45316637-G-A.
Other names: c.*35C>T (NM_001261418.2); short protein forms L449F.
Identifiers: ClinVar variation 1447135 (VCV001447135.8), dbSNP rs2148889853, ClinGen allele CA340112628.

ClinVar aggregate classification (germline): Uncertain significance (1 of 4 stars; one submission).

Submission:

Labcorp Genetics (formerly Invitae), Labcorp
Classification: Uncertain significance. Last evaluated: 2021-12-02. Review status: criteria provided, single submitter. Criteria: Invitae Variant Classification Sherloc (09022015). Collection method: clinical testing. Allele origin: germline.
Comment: Algorithms developed to predict the effect of missense changes on protein structure and function (SIFT, PolyPhen-2, Align-GVGD) all suggest that this variant is likely to be tolerated. In summary, the available evidence is currently insufficient to determine the role of this variant in disease. Therefore, it has been classified as a Variant of Uncertain Significance. This variant has not been reported in the literature in individuals affected with EIF2B3-related conditions. This sequence change replaces leucine, which is neutral and non-polar, with phenylalanine, which is neutral and non-polar, at codon 449 of the EIF2B3 protein (p.Leu449Phe). This variant is not present in population databases (gnomAD no frequency).